The following is an entry in ClinVar:

ClinVar aggregate classification (germline): Uncertain significance (1 of 4 stars; one submission).

gnomAD v4.1: 1 of 1,614,144 alleles (0.000062%); highest among the groups gnomAD compares: Non-Finnish European, 0.000085%; no homozygotes.

Submission:

Labcorp Genetics (formerly Invitae), Labcorp
Classification: Uncertain significance. Last evaluated: 2024-08-19. Review status: criteria provided, single submitter. Criteria: Invitae Variant Classification Sherloc (09022015). Collection method: clinical testing. Allele origin: germline.
Comment: This sequence change replaces valine, which is neutral and non-polar, with leucine, which is neutral and non-polar, at codon 71 of the KANK1 protein (p.Val71Leu). This variant is not present in population databases (gnomAD no frequency). This variant has not been reported in the literature in individuals affected with KANK1-related conditions. An algorithm developed to predict the effect of missense changes on protein structure and function (PolyPhen-2) suggests that this variant is likely to be tolerated. In summary, the available evidence is currently insufficient to determine the role of this variant in disease. Therefore, it has been classified as a Variant of Uncertain Significance.

NM_015158.5(KANK1):c.211G>T (p.Val71Leu)

Gene: KANK1 (KN motif and ankyrin repeat domains 1; plus strand). Cytogenetic location: 9p24.3.
Variant type: single nucleotide variant.
Coding change: c.211G>T on transcript NM_015158.5 (MANE Select); coding-DNA position 211, G replaced by T.
Protein change: p.Val71Leu; replaces valine 71 with leucine.
Molecular consequence: missense variant. On other transcripts: 5 prime UTR variant (12), non-coding transcript variant (1).
Genome position (GRCh38, 1-based): chr9:710,977, G>T. VCF-style: chr9-710977-G-T. GRCh37 (hg19) VCF-style: chr9-710977-G-T.
Other names: c.211G>T, p.Val71Leu (NM_001256876.3, NM_001256877.3, NM_001354331.2 and 2 more transcripts); c.-264G>T (NM_001354333.2, NM_001354335.2, NM_001354336.2 and 9 more transcripts); short protein forms V71L.
Identifiers: ClinVar variation 3688506 (VCV003688506.2).